The following is an entry in ClinVar:

ClinVar aggregate classification (germline): Uncertain significance. Review status: criteria provided, multiple submitters, no conflicts (2 of 4 stars). 3 submissions from 3 submitters: Uncertain significance (3). Last evaluated 2024-11-13.

Conditions:
Muscular dystrophy-dystroglycanopathy (congenital with brain and eye anomalies), type A, 7. Also called: WALKER-WARBURG SYNDROME OR MUSCLE-EYE-BRAIN DISEASE, ISPD-RELATED; Congenital muscular dystrophy-dystroglycanopathy with brain and eye anomalies, type A7. Identifiers: Orphanet 899, MedGen C3553330, MONDO:0013835, OMIM 614643.
Autosomal recessive limb-girdle muscular dystrophy type 2U. Also called: MUSCULAR DYSTROPHY, LIMB-GIRDLE, TYPE 2U; Muscular dystrophy-dystroglycanopathy (limb-girdle), type c, 7. Identifiers: Orphanet 352479, MedGen C5190987, MONDO:0014474, OMIM 616052.

Allele frequency attached by ClinVar (database versions not stated): gnomAD exomes below 0.00001; gnomAD 0.00001; TOPMed 0.00003.
gnomAD v4.1: 3 of 1,312,290 alleles (0.00023%); highest among the groups gnomAD compares: Non-Finnish European, 0.00029%; no homozygotes.

Submissions (3):

Ambry Genetics
Classification: Uncertain significance. Last evaluated: 2024-11-13. Review status: criteria provided, single submitter. Criteria: Ambry Variant Classification Scheme 2023. Collection method: clinical testing. Allele origin: germline.

Labcorp Genetics (formerly Invitae), Labcorp
Classification: Uncertain significance for Muscular dystrophy-dystroglycanopathy (congenital with brain and eye anomalies), type A, 7; Autosomal recessive limb-girdle muscular dystrophy type 2U. Last evaluated: 2022-04-09. Review status: criteria provided, single submitter. Criteria: Invitae Variant Classification Sherloc (09022015). Collection method: clinical testing. Allele origin: germline.
Comment: This sequence change replaces isoleucine, which is neutral and non-polar, with valine, which is neutral and non-polar, at codon 71 of the ISPD protein (p.Ile71Val). This variant is not present in population databases (gnomAD no frequency). This variant has not been reported in the literature in individuals affected with ISPD-related conditions. Algorithms developed to predict the effect of missense changes on protein structure and function output the following: SIFT: "Tolerated"; PolyPhen-2: "Benign"; Align-GVGD: "Class C0". The valine amino acid residue is found in multiple mammalian species, which suggests that this missense change does not adversely affect protein function. In summary, the available evidence is currently insufficient to determine the role of this variant in disease. Therefore, it has been classified as a Variant of Uncertain Significance.

Revvity Omics, Revvity
Classification: Uncertain significance. Last evaluated: 2020-08-27. Review status: criteria provided, single submitter. Criteria: ACMG Guidelines, 2015. Collection method: clinical testing. Allele origin: germline.

NM_001101426.4(CRPPA):c.211A>G (p.Ile71Val)

Gene: CRPPA (CDP-L-ribitol pyrophosphorylase A; minus strand). Cytogenetic location: 7p21.2.
Variant type: single nucleotide variant.
Coding change: c.211A>G on transcript NM_001101426.4 (MANE Select); coding-DNA position 211, A replaced by G.
Protein change: p.Ile71Val; replaces isoleucine 71 with valine.
Molecular consequence: missense variant. On other transcripts: non-coding transcript variant (1).
Genome position (GRCh38, 1-based): chr7:16,421,112, T>C on the plus strand (A>G on the coding strand, the complement: CRPPA is on the minus strand). VCF-style: chr7-16421112-T-C. GRCh37 (hg19) VCF-style: chr7-16460737-T-C.
Other names: c.211A>G, p.Ile71Val (NM_001101417.4, NM_001368197.1); c.211A>G (NM_001101426.3); short protein forms I71V.
Identifiers: ClinVar variation 2059189 (VCV002059189.3), dbSNP rs1169469444, ClinGen allele CA367003956.